The following is an entry in ClinVar:

ClinVar aggregate classification (germline): Conflicting classifications of pathogenicity. Review status: criteria provided, conflicting classifications (1 of 4 stars). 6 submissions from 6 submitters: Uncertain significance (5); Likely benign (1). Last evaluated 2026-08-05.

Conditions:
Cardiovascular phenotype. Identifiers: MedGen CN230736.
Familial hypercholesterolemia. Also called: Familial hypercholesterolemias; Familial hypercholesterolaemia. Identifiers: MedGen C0020445, MONDO:0005439.
Hypercholesterolemia, autosomal dominant, 3 (FHCL3). Also called: Familial Hypercholesterolemia, Autosomal Dominant, 3; PCSK9-Related Familial Hypercholesterolemia, Autosomal Dominant; Familial hypercholesterolemia 3. Identifiers: MedGen C1863551, MONDO:0011369, OMIM 603776.

Allele frequency attached by ClinVar (database versions not stated): ExAC 0.00002; gnomAD below 0.00001 and 0.00001.
gnomAD v4.1: 31 of 1,613,662 alleles (0.0019%); highest among the groups gnomAD compares: East Asian, 0.033%; no homozygotes.

Submissions (6):

Ambry Genetics
Classification: Likely benign for Cardiovascular phenotype. Last evaluated: 2026-08-05. Review status: criteria provided, single submitter. Criteria: Ambry Variant Classification Scheme 2023. Collection method: clinical testing. Allele origin: germline.

Color Diagnostics, LLC DBA Color Health
Classification: Uncertain significance for Familial hypercholesterolemia. Last evaluated: 2025-10-14. Review status: criteria provided, single submitter. Criteria: ACMG Guidelines, 2015. Collection method: clinical testing. Allele origin: germline.
Comment: This missense variant replaces glutamine with glutamic acid at codon 219 of the PCSK9 protein. Computational prediction suggests that this variant may not impact protein structure and function. A functional study has shown that this variant enhances processing by endogenous furin and may result in a PCSK9 loss-of-function phenotype (PMID: 16912035). This variant has been reported in individuals having low LDL-C levels (PMID: 17316651, 27575716). This variant has been identified in 31/1613662 chromosomes in the general population by the Genome Aggregation Database (gnomAD). The available evidence is insufficient to determine the role of this variant in disease conclusively. Therefore, this variant is classified as a Variant of Uncertain Significance.

Labcorp Genetics (formerly Invitae), Labcorp
Classification: Uncertain significance for Hypercholesterolemia, autosomal dominant, 3. Last evaluated: 2025-04-11. Review status: criteria provided, single submitter. Criteria: Invitae Variant Classification Sherloc (09022015). Collection method: clinical testing. Allele origin: germline.
Comment: This sequence change replaces glutamine, which is neutral and polar, with glutamic acid, which is acidic and polar, at codon 219 of the PCSK9 protein (p.Gln219Glu). This variant is present in population databases (rs778617372, gnomAD 0.06%). This missense change has been observed in individual(s) with clinical features of PCSK9-related condition(s). (PMID: 17316651). ClinVar contains an entry for this variant (Variation ID: 403290). An algorithm developed to predict the effect of missense changes on protein structure and function (PolyPhen-2) suggests that this variant is likely to be tolerated. Experimental studies have shown that this missense change does not substantially affect PCSK9 function (PMID: 16912035). In summary, the available evidence is currently insufficient to determine the role of this variant in disease. Therefore, it has been classified as a Variant of Uncertain Significance.

All of Us Research Program, National Institutes of Health
Classification: Uncertain significance for Hypercholesterolemia, autosomal dominant, 3. Last evaluated: 2024-03-14. Review status: criteria provided, single submitter. Criteria: ACMG Guidelines, 2015. Collection method: clinical testing. Allele origin: germline. Inheritance: Autosomal dominant inheritance. Observed: 5 variant alleles, 5 heterozygotes.
Comment: This missense variant replaces glutamine with glutamic acid at codon 219 of the PCSK9 protein. Computational prediction suggests that this variant may not impact protein structure and function (internally defined REVEL score threshold <= 0.5, PMID: 27666373). A functional study has shown that this variant enhances processing by endogenous furin and may result in a loss-of-function phenotype (PMID: 16912035). This variant has been reported in individuals having low LDL-C levels (PMID: 17316651, 27575716). This variant has been identified in 12/251010 chromosomes in the general population by the Genome Aggregation Database (gnomAD). The available evidence is insufficient to determine the role of this variant in disease conclusively. Therefore, this variant is classified as a Variant of Uncertain Significance.

This study involves interpretation of variants in research participants for the purpose of population health screening. Participant phenotype was not available at the time of variant classification. Additional details can be found in publication PMID: 35346344, PMCID: PMC8962531

Fulgent Genetics
Classification: Uncertain significance for Hypercholesterolemia, autosomal dominant, 3. Last evaluated: 2021-08-03. Review status: criteria provided, single submitter. Criteria: ACMG Guidelines, 2015. Collection method: clinical testing. Allele origin: unknown.

Laboratory for Molecular Medicine, Mass General Brigham Personalized Medicine
Classification: Uncertain significance. Last evaluated: 2016-12-16. Review status: criteria provided, single submitter. Criteria: LMM Criteria. Collection method: clinical testing. Allele origin: germline.
Comment: Variant identified in a genome or exome case(s) and assessed due to predicted null impact of the variant or pathogenic assertions in the literature or databases. Disclaimer: This variant has not undergone full assessment. It has a Max MAF of 0.03% in ExAC (3 East Asian alleles) and 0.06% in gnomAD (10 East Asian alleles). The variant is not present in ClinVar. 2 non-mammals have a Glu at this position.

Literature cited by the submitters: PubMed 16912035 (cited by 3 submitters); PubMed 17316651 (cited by 3 submitters); PubMed 27575716 (cited by Color Diagnostics, LLC DBA Color Health and All of Us Research Program, National Institutes of Health).

NM_174936.4(PCSK9):c.655C>G (p.Gln219Glu)

Gene: PCSK9 (proprotein convertase subtilisin/kexin type 9; plus strand). Cytogenetic location: 1p32.3.
Variant type: single nucleotide variant.
Coding change: c.655C>G on transcript NM_174936.4 (MANE Select); coding-DNA position 655, C replaced by G.
Protein change: p.Gln219Glu; replaces glutamine 219 with glutamic acid.
Molecular consequence: missense variant.
Genome position (GRCh38, 1-based): chr1:55,052,409, C>G. VCF-style: chr1-55052409-C-G. GRCh37 (hg19) VCF-style: chr1-55518082-C-G.
Other names: c.778C>G, p.Gln260Glu (NM_001407240.1); c.655C>G, p.Gln219Glu (NM_001407241.1, NM_001407242.1, NM_001407244.1 and 1 more transcripts); c.598C>G, p.Gln200Glu (NM_001407243.1); c.463C>G, p.Gln155Glu (NM_001407245.1); c.280C>G, p.Gln94Glu (NM_001407246.1); short protein forms Q219E, Q200E, Q260E, Q94E, Q155E.
Identifiers: ClinVar variation 403290 (VCV000403290.18), dbSNP rs778617372, ClinGen allele CA043576.